The following is an entry in ClinVar:

ClinVar aggregate classification (germline): Uncertain significance (1 of 4 stars; one submission).

Conditions:
Baller-Gerold syndrome (BGS). Also called: CRANIOSYNOSTOSIS WITH RADIAL DEFECTS. Identifiers: Orphanet 1225, MedGen C0265308, MONDO:0009039, OMIM 218600.

Submission:

Labcorp Genetics (formerly Invitae), Labcorp
Classification: Uncertain significance for Baller-Gerold syndrome. Last evaluated: 2022-08-02. Review status: criteria provided, single submitter. Criteria: Invitae Variant Classification Sherloc (09022015). Collection method: clinical testing. Allele origin: germline.
Comment: This sequence change replaces proline, which is neutral and non-polar, with serine, which is neutral and polar, at codon 199 of the RECQL4 protein (p.Pro199Ser). In summary, the available evidence is currently insufficient to determine the role of this variant in disease. Therefore, it has been classified as a Variant of Uncertain Significance. Experimental studies and prediction algorithms are not available or were not evaluated, and the functional significance of this variant is currently unknown. This variant has not been reported in the literature in individuals affected with RECQL4-related conditions. This variant is not present in population databases (gnomAD no frequency).

NM_004260.4(RECQL4):c.595C>T (p.Pro199Ser)

Gene: RECQL4 (RecQ like helicase 4; minus strand). Cytogenetic location: 8q24.3.
Variant type: single nucleotide variant.
Coding change: c.595C>T on transcript NM_004260.4 (MANE Select); coding-DNA position 595, C replaced by T.
Protein change: p.Pro199Ser; replaces proline 199 with serine.
Molecular consequence: missense variant.
Genome position (GRCh38, 1-based): chr8:144,516,524, G>A on the plus strand (C>T on the coding strand, the complement: RECQL4 is on the minus strand). VCF-style: chr8-144516524-G-A. GRCh37 (hg19) VCF-style: chr8-145741908-G-A.
Other names: c.595C>T, p.Pro199Ser (NM_001413017.1, NM_001413018.1, NM_001413019.1 and 4 more transcripts); c.-477C>T (NM_001413022.1, NM_001413023.1, NM_001413024.1 and 5 more transcripts); c.466C>T, p.Pro156Ser (NM_001413025.1); c.-539C>T (NM_001413027.1, NM_001413030.1, NM_001413031.1 and 2 more transcripts); c.-381C>T (NM_001413034.1); c.-746C>T (NM_001413043.1); short protein forms P156S, P199S.
Identifiers: ClinVar variation 2180910 (VCV002180910.4), dbSNP rs2130725923, ClinGen allele CA372690157.